The following is an entry in ClinVar:

ClinVar aggregate classification (germline): Uncertain significance (1 of 4 stars; one submission).

Conditions:
Dyskeratosis congenita. Identifiers: Orphanet 1775, MedGen C0265965, MONDO:0015780.

Allele frequency attached by ClinVar (database versions not stated): gnomAD exomes below 0.00001; ExAC 0.00001.
gnomAD v4.1: 4 of 1,527,080 alleles (0.00026%); highest among the groups gnomAD compares: Non-Finnish European, 0.00035%; no homozygotes.

Submission:

Labcorp Genetics (formerly Invitae), Labcorp
Classification: Uncertain significance for Dyskeratosis congenita. Last evaluated: 2022-06-15. Review status: criteria provided, single submitter. Criteria: Invitae Variant Classification Sherloc (09022015). Collection method: clinical testing. Allele origin: germline.
Comment: This variant has not been reported in the literature in individuals affected with CTC1-related conditions. This sequence change replaces glutamine, which is neutral and polar, with arginine, which is basic and polar, at codon 716 of the CTC1 protein (p.Gln716Arg). This variant is present in population databases (rs762897077, gnomAD 0.001%). Algorithms developed to predict the effect of missense changes on protein structure and function output the following: SIFT: "Deleterious"; PolyPhen-2: "Benign"; Align-GVGD: "Class C0". The arginine amino acid residue is found in multiple mammalian species, which suggests that this missense change does not adversely affect protein function. In summary, the available evidence is currently insufficient to determine the role of this variant in disease. Therefore, it has been classified as a Variant of Uncertain Significance.

NM_025099.6(CTC1):c.2147A>G (p.Gln716Arg)

Gene: CTC1 (CST telomere replication complex component 1; minus strand). Cytogenetic location: 17p13.1.
Variant type: single nucleotide variant.
Coding change: c.2147A>G on transcript NM_025099.6 (MANE Select); coding-DNA position 2147, A replaced by G.
Protein change: p.Gln716Arg; replaces glutamine 716 with arginine.
Molecular consequence: missense variant. On other transcripts: non-coding transcript variant (1).
Genome position (GRCh38, 1-based): chr17:8,232,141, T>C on the plus strand (A>G on the coding strand, the complement: CTC1 is on the minus strand). VCF-style: chr17-8232141-T-C. GRCh37 (hg19) VCF-style: chr17-8135459-T-C.
Other names: c.2147A>G, p.Gln716Arg (NM_001411067.1); short protein forms Q716R.
Identifiers: ClinVar variation 1918601 (VCV001918601.5), dbSNP rs762897077, ClinGen allele CA8372154.